The following is an entry in ClinVar:

ClinVar aggregate classification (germline): Benign. Review status: criteria provided, multiple submitters, no conflicts (2 of 4 stars). 2 submissions from 2 submitters: Benign (2). Last evaluated 2018-06-16.

Allele frequency attached by ClinVar (database versions not stated): 1000 Genomes Project 0.02177; 1000 Genomes Project 30x 0.02342; gnomAD exomes 0.03310 and 0.03954; TOPMed 0.03369; ExAC 0.03539; ESP Exome Variant Server 0.03706; gnomAD 0.03809 and 0.03964.
gnomAD v4.1: 60,857 of 1,547,542 alleles (3.9%); highest among the groups gnomAD compares: Non-Finnish European, 4.3%; 1,410 homozygotes.

Submissions (2):

GeneDx
Classification: Benign. Last evaluated: 2018-06-16. Review status: criteria provided, single submitter. Criteria: GeneDx Variant Classification (06012015). Collection method: clinical testing. Allele origin: germline. Affected: yes.
Comment: This variant is considered likely benign or benign based on one or more of the following criteria: it is a conservative change, it occurs at a poorly conserved position in the protein, it is predicted to be benign by multiple in silico algorithms, and/or has population frequency not consistent with disease.

Breakthrough Genomics
Classification: Benign. Review status: criteria provided, single submitter. Criteria: ACMG Guidelines, 2015. Collection method: not provided. Allele origin: germline. Inheritance: Autosomal dominant inheritance. Affected: yes.

NM_000069.3(CACNA1S):c.2658-44T>A

Gene: CACNA1S (calcium voltage-gated channel subunit alpha1 S; minus strand). Cytogenetic location: 1q32.1.
Variant type: single nucleotide variant.
Coding change: c.2658-44T>A on transcript NM_000069.3 (MANE Select); 44 bases into the intron before coding-DNA position 2658, T replaced by A.
Molecular consequence: intron variant.
Genome position (GRCh38, 1-based): chr1:201,066,360, A>T on the plus strand (T>A on the coding strand, the complement: CACNA1S is on the minus strand). VCF-style: chr1-201066360-A-T. GRCh37 (hg19) VCF-style: chr1-201035488-A-T.
Identifiers: ClinVar variation 680199 (VCV000680199.2), dbSNP rs41267503, ClinGen allele CA079195.